The following is an entry in ClinVar:

ClinVar aggregate classification (germline): Uncertain significance (1 of 4 stars; one submission).

gnomAD v4.1: 1 of 1,598,060 alleles (0.000063%); no homozygotes.

Submission:

Ambry Genetics
Classification: Uncertain significance. Last evaluated: 2025-08-31. Review status: criteria provided, single submitter. Criteria: Ambry Variant Classification Scheme 2023. Collection method: clinical testing. Allele origin: germline.
Comment: The p.I1880T variant (also known as c.5639T>C), located in coding exon 22 of the WNK2 gene, results from a T to C substitution at nucleotide position 5639. The isoleucine at codon 1880 is replaced by threonine, an amino acid with similar properties. This amino acid position is conserved. In addition, the in silico prediction for this alteration is inconclusive. Based on the available evidence, the clinical significance of this variant remains unclear.

NM_006648.4(WNK2):c.5639T>C (p.Ile1880Thr)

Gene: WNK2 (WNK lysine deficient protein kinase 2; plus strand). Cytogenetic location: 9q22.31.
Variant type: single nucleotide variant.
Coding change: c.5639T>C on transcript NM_006648.4 (MANE Select); coding-DNA position 5639, T replaced by C.
Protein change: p.Ile1880Thr; replaces isoleucine 1880 with threonine.
Molecular consequence: missense variant.
Genome position (GRCh38, 1-based): chr9:93,293,104, T>C. VCF-style: chr9-93293104-T-C. GRCh37 (hg19) VCF-style: chr9-96055386-T-C.
Other names: c.5750T>C, p.Ile1917Thr (NM_001282394.3); short protein forms I1880T, I1917T.
Identifiers: ClinVar variation 4201846 (VCV004201846.1).
Genomic context (GRCh38, chr9:93,293,104, plus strand): 5'-GGGTGGGCATGAAGGTCCCCACGATCAGCGTGACCTCCTTCCATTCCCAGTCGTCCTACA[T>C]CAGCAGCGACAATGATTCGGAGCTCGAGGATGCTGACATAAAGAAGGAGCTGCAGAGTCT-3'
Protein context (NP_006639.3, residues 1870-1890): VTSFHSQSSY[Ile1880Thr]SSDNDSELED